The following is an entry in ClinVar:

ClinVar aggregate classification (germline): Likely benign. Review status: criteria provided, single submitter (1 of 4 stars). 2 submissions from 2 submitters: Likely benign (1). 1 of the submissions does not count toward it. Last evaluated 2022-04-06.

Conditions:
LAMA1-related disorder. Also called: LAMA1-related disorders; LAMA1-related condition.

Submissions (2):

Blueprint Genetics
Classification: Likely benign. Last evaluated: 2022-04-06. Review status: criteria provided, single submitter. Criteria: ACMG Guidelines, 2015. Collection method: clinical testing. Allele origin: germline.

PreventionGenetics, part of Exact Sciences
Classification: Likely benign for LAMA1-related condition. Last evaluated: 2019-09-13. Review status: no assertion criteria provided. Collection method: clinical testing. Allele origin: germline. Not counted in ClinVar's aggregate classification.
Comment: This variant is classified as likely benign based on ACMG/AMP sequence variant interpretation guidelines (Richards et al. 2015 PMID: 25741868, with internal and published modifications).

NM_005559.4(LAMA1):c.2809-4del

Gene: LAMA1 (laminin subunit alpha 1; minus strand). Cytogenetic location: 18p11.31.
Variant type: Deletion.
Coding change: c.2809-4del on transcript NM_005559.4 (MANE Select); 4 bases into the intron before coding-DNA position 2809, one base deleted (A; older notation c.2809-4delA).
Molecular consequence: intron variant.
Genome position (GRCh38, 1-based): chr18:7,016,675, T deleted on the plus strand (A on the coding strand, the reverse complement: LAMA1 is on the minus strand); the first of 3 consecutive T bases (chr18:7,016,675-7,016,677); deleting any one gives the same sequence. VCF-style (leftmost placement, unchanged base first): chr18-7016674-GT-G. GRCh37 (hg19) VCF-style: chr18-7016673-GT-G.
Identifiers: ClinVar variation 3040684 (VCV003040684.3), dbSNP rs779968916, ClinGen allele CA8882494.